The following is an entry in ClinVar:

ClinVar aggregate classification (germline): Likely benign (1 of 4 stars; one submission).

Conditions:
WDPCP-related disorder. Also called: WDPCP-related condition.

gnomAD v4.1: 9 of 1,613,648 alleles (0.00056%); highest among the groups gnomAD compares: Non-Finnish European, 0.00068%; no homozygotes.

Submission:

PreventionGenetics, part of Exact Sciences
Classification: Likely benign for WDPCP-related condition. Last evaluated: 2026-01-13. Review status: criteria provided, single submitter. Criteria: ACMG Guidelines, 2015. Collection method: clinical testing. Allele origin: germline.
Comment: This variant is classified as likely benign based on ACMG/AMP sequence variant interpretation guidelines (Richards et al. 2015 PMID: 25741868, with internal and published modifications).

NM_015910.7(WDPCP):c.150A>G (p.Leu50=)

Gene: WDPCP (WD repeat containing planar cell polarity effector; minus strand). Cytogenetic location: 2p15.
Variant type: single nucleotide variant.
Coding change: c.150A>G on transcript NM_015910.7 (MANE Select); coding-DNA position 150, A replaced by G.
Protein change: p.Leu50=; no amino-acid change (leucine 50 retained).
Molecular consequence: synonymous variant. On other transcripts: non-coding transcript variant (2).
Genome position (GRCh38, 1-based): chr2:63,492,866, T>C on the plus strand (A>G on the coding strand, the complement: WDPCP is on the minus strand). VCF-style: chr2-63492866-T-C. GRCh37 (hg19) VCF-style: chr2-63720000-T-C.
Other names: c.78A>G, p.Leu26= (NM_001354044.2); c.150A>G, p.Leu50= (NM_001354045.2).
Identifiers: ClinVar variation 4994026 (VCV004994026.1).